The following is an entry in ClinVar:

NM_183235.3(RAB27A):c.636A>C (p.Glu212Asp)

Gene: RAB27A (RAB27A, member RAS oncogene family; minus strand). Cytogenetic location: 15q21.3.
Variant type: single nucleotide variant.
Coding change: c.636A>C on transcript NM_183235.3 (MANE Select); coding-DNA position 636, A replaced by C.
Protein change: p.Glu212Asp; replaces glutamic acid 212 with aspartic acid.
Molecular consequence: missense variant.
Genome position (GRCh38, 1-based): chr15:55,205,537, T>G on the plus strand (A>C on the coding strand, the complement: RAB27A is on the minus strand). VCF-style: chr15-55205537-T-G. GRCh37 (hg19) VCF-style: chr15-55497735-T-G.
Other names: c.636A>C, p.Glu212Asp (NM_004580.5, NM_183234.3, NM_183236.3); short protein forms E212D.
Identifiers: ClinVar variation 1424911 (VCV001424911.8), dbSNP rs1210017547, ClinGen allele CA392781741.

ClinVar aggregate classification (germline): Uncertain significance (1 of 4 stars; one submission).

Conditions:
Griscelli syndrome type 2 (GS2). Also called: PAID SYNDROME; PARTIAL ALBINISM AND IMMUNODEFICIENCY SYNDROME; GRISCELLI SYNDROME WITH HEMOPHAGOCYTIC SYNDROME. Identifiers: Orphanet 381, Orphanet 79477, MedGen C1868679, MONDO:0011872, OMIM 607624.

Allele frequency attached by ClinVar (database versions not stated): gnomAD exomes 0.00001; TOPMed 0.00002; gnomAD 0.00005 and 0.00006.
gnomAD v4.1: 15 of 1,614,080 alleles (0.00093%); highest among the groups gnomAD compares: East Asian, 0.016%; no homozygotes.

Submission:

Labcorp Genetics (formerly Invitae), Labcorp
Classification: Uncertain significance for Griscelli syndrome type 2. Last evaluated: 2021-04-02. Review status: criteria provided, single submitter. Criteria: Invitae Variant Classification Sherloc (09022015). Collection method: clinical testing. Allele origin: germline.
Comment: In summary, the available evidence is currently insufficient to determine the role of this variant in disease. Therefore, it has been classified as a Variant of Uncertain Significance. Advanced modeling of protein sequence and biophysical properties (such as structural, functional, and spatial information, amino acid conservation, physicochemical variation, residue mobility, and thermodynamic stability) performed at Invitae indicates that this missense variant is not expected to disrupt RAB27A protein function. This variant has not been reported in the literature in individuals with RAB27A-related conditions. This variant is not present in population databases (ExAC no frequency). This sequence change replaces glutamic acid with aspartic acid at codon 212 of the RAB27A protein (p.Glu212Asp). The glutamic acid residue is highly conserved and there is a small physicochemical difference between glutamic acid and aspartic acid.